The following is an entry in ClinVar:

NM_015001.3(SPEN):c.7879G>A (p.Val2627Ile)

Gene: SPEN (spen family transcriptional repressor; plus strand). Cytogenetic location: 1p36.13.
Variant type: single nucleotide variant.
Coding change: c.7879G>A on transcript NM_015001.3 (MANE Select); coding-DNA position 7879, G replaced by A.
Protein change: p.Val2627Ile; replaces valine 2627 with isoleucine.
Molecular consequence: missense variant.
Genome position (GRCh38, 1-based): chr1:15,934,119, G>A. VCF-style: chr1-15934119-G-A. GRCh37 (hg19) VCF-style: chr1-16260614-G-A.
Other names: short protein forms V2627I.
Identifiers: ClinVar variation 2571682 (VCV002571682.1), dbSNP rs2523091154, ClinGen allele CA338647496.

ClinVar aggregate classification (germline): Uncertain significance (1 of 4 stars; one submission).

Submission:

GeneDx
Classification: Uncertain significance. Last evaluated: 2022-12-11. Review status: criteria provided, single submitter. Criteria: GeneDx Variant Classification Process June 2021. Collection method: clinical testing. Allele origin: germline. Affected: yes.
Comment: Not observed at significant frequency in large population cohorts (gnomAD); In silico analysis supports that this missense variant does not alter protein structure/function; Has not been previously published as pathogenic or benign to our knowledge